The following is an entry in ClinVar:

ClinVar aggregate classification (germline): Uncertain significance. Review status: criteria provided, multiple submitters, no conflicts (2 of 4 stars). 3 submissions from 3 submitters: Uncertain significance (3). Last evaluated 2026-03-27.

Conditions:
NR0B2-related disorder. Also called: NR0B2-related condition.

Allele frequency attached by ClinVar (database versions not stated): ExAC 0.00004; gnomAD 0.00004; TOPMed 0.00006; gnomAD exomes 0.00007.
gnomAD v4.1: 105 of 1,612,692 alleles (0.0065%); highest among the groups gnomAD compares: Non-Finnish European, 0.008%; no homozygotes.

Submissions (3):

PreventionGenetics, part of Exact Sciences
Classification: Uncertain significance for NR0B2-related condition. Last evaluated: 2026-03-27. Review status: criteria provided, single submitter. Criteria: ACMG Guidelines, 2015. Collection method: clinical testing. Allele origin: germline.
Comment: The NR0B2 c.254G>A variant is predicted to result in the amino acid substitution p.Arg85Gln. To our knowledge, this variant has not been reported in the literature. This variant is reported in 0.0057% of alleles in individuals of Latino descent in gnomAD. At this time, the clinical significance of this variant is uncertain due to the absence of conclusive functional and genetic evidence.

Ambry Genetics
Classification: Uncertain significance. Last evaluated: 2025-08-10. Review status: criteria provided, single submitter. Criteria: Ambry Variant Classification Scheme 2023. Collection method: clinical testing. Allele origin: germline.

Labcorp Genetics (formerly Invitae), Labcorp
Classification: Uncertain significance. Last evaluated: 2025-07-09. Review status: criteria provided, single submitter. Criteria: Invitae Variant Classification Sherloc (09022015). Collection method: clinical testing. Allele origin: germline.
Comment: This sequence change replaces arginine, which is basic and polar, with glutamine, which is neutral and polar, at codon 85 of the NR0B2 protein (p.Arg85Gln). This variant is present in population databases (rs765321141, gnomAD 0.009%). This variant has not been reported in the literature in individuals affected with NR0B2-related conditions. ClinVar contains an entry for this variant (Variation ID: 2395484). Invitae Evidence Modeling of protein sequence and biophysical properties (such as structural, functional, and spatial information, amino acid conservation, physicochemical variation, residue mobility, and thermodynamic stability) indicates that this missense variant is not expected to disrupt NR0B2 protein function with a negative predictive value of 80%. In summary, the available evidence is currently insufficient to determine the role of this variant in disease. Therefore, it has been classified as a Variant of Uncertain Significance.

NM_021969.3(NR0B2):c.254G>A (p.Arg85Gln)

Genes: NR0B2 (nuclear receptor subfamily 0 group B member 2; minus strand), NUDC (nuclear distribution C, dynein complex regulator; plus strand). Cytogenetic location: 1p36.11.
Variant type: single nucleotide variant.
Coding change: c.254G>A on transcript NM_021969.3 (MANE Select); coding-DNA position 254, G replaced by A.
Protein change: p.Arg85Gln; replaces arginine 85 with glutamine.
Molecular consequence: missense variant.
Genome position (GRCh38, 1-based): chr1:26,913,687, C>T on the plus strand (G>A on the coding strand, the complement: NR0B2 is on the minus strand). VCF-style: chr1-26913687-C-T. GRCh37 (hg19) VCF-style: chr1-27240178-C-T.
Other names: short protein forms R85Q.
Identifiers: ClinVar variation 2395484 (VCV002395484.8), dbSNP rs765321141, ClinGen allele CA709691.
Genomic context (GRCh38, chr1:26,913,687, plus strand): 5'-ACAGCATCTTGGGCCAACCCAAGCAGGAAGAGGGGGCCCCAGCAACCCTGCAGCAGCCGC[C>T]GCTGGTCCTGGGGAGGCAGCTGCCAGAAGGATGGCAGGTTCCTGAGGAAGGCCACTGTCT-3'
Protein context (NP_068804.1, residues 75-95): SFWQLPPQDQ[Arg85Gln]RLLQGCWGPL